The following is an entry in ClinVar:

ClinVar aggregate classification (germline): Pathogenic (1 of 4 stars; one submission).

Submission:

Labcorp Genetics (formerly Invitae), Labcorp
Classification: Pathogenic. Last evaluated: 2024-02-14. Review status: criteria provided, single submitter. Criteria: Invitae Variant Classification Sherloc (09022015). Collection method: clinical testing. Allele origin: germline.
Comment: This sequence change creates a premature translational stop signal (p.Trp703Cysfs*28) in the TMPRSS6 gene. It is expected to result in an absent or disrupted protein product. Loss-of-function variants in TMPRSS6 are known to be pathogenic (PMID: 20232450, 25156943). This variant is not present in population databases (gnomAD no frequency). This premature translational stop signal has been observed in individual(s) with iron-refactory iron deficiency anemia (PMID: 25156943). For these reasons, this variant has been classified as Pathogenic.

Literature cited by the submitters: PubMed 20232450; PubMed 25156943.

NM_001374504.1(TMPRSS6):c.2074_2081dup (p.Trp694fs)

Gene: TMPRSS6 (transmembrane serine protease 6; minus strand). Cytogenetic location: 22q12.3.
Variant type: Duplication.
Coding change: c.2074_2081dup on transcript NM_001374504.1 (MANE Select); coding-DNA positions 2074 to 2081, 8 bases duplicated (CACTGCTG; older notation c.2074_2081dupCACTGCTG).
Protein change: p.Trp694fs; shifts the reading frame from tryptophan 694.
Molecular consequence: frameshift variant.
Genome position (GRCh38, 1-based): chr22:37,069,105-37,069,112, CAGCAGTG duplicated on the plus strand (CACTGCTG on the coding strand, the reverse complement: TMPRSS6 is on the minus strand); duplicating any 8 consecutive bases within chr22:37,069,105-37,069,115 gives the same sequence; the c. name uses the placement nearest the transcript's 3' end. VCF-style (leftmost placement, unchanged base first): chr22-37069104-C-CCAGCAGTG. GRCh37 (hg19) VCF-style: chr22-37465144-C-CCAGCAGTG.
Other names: c.2074_2081dup, p.Trp694fs (NM_001289000.2, NM_001289001.2, NM_153609.4); short protein forms W694fs.
Identifiers: ClinVar variation 3723975 (VCV003723975.2).